The following is an entry in ClinVar:

NM_006946.4(SPTBN2):c.3602C>G (p.Pro1201Arg)

Gene: SPTBN2 (spectrin beta, non-erythrocytic 2; minus strand). Cytogenetic location: 11q13.2.
Variant type: single nucleotide variant.
Coding change: c.3602C>G on transcript NM_006946.4 (MANE Select); coding-DNA position 3602, C replaced by G.
Protein change: p.Pro1201Arg; replaces proline 1201 with arginine.
Molecular consequence: missense variant.
Genome position (GRCh38, 1-based): chr11:66,699,580, G>C on the plus strand (C>G on the coding strand, the complement: SPTBN2 is on the minus strand). VCF-style: chr11-66699580-G-C. GRCh37 (hg19) VCF-style: chr11-66467051-G-C.
Other names: c.3623C>G, p.Pro1208Arg (NM_001411025.1); short protein forms P1201R, P1208R.
Identifiers: ClinVar variation 3372476 (VCV003372476.1).
Genomic context (GRCh38, chr11:66,699,580, plus strand): 5'-ATGGTGCTCATGAAGTCCTCCAGTTTTTTAATGGCAGCATCAGCAGCCTGGAGTGTCCCT[G>C]GCATCTCCGTGTGAGACAGAACATATTCCTGTGTGGGAGGGATGACATTCAGCTCATTTT-3'
Protein context (NP_008877.2, residues 1191-1211): QEYVLSHTEM[Pro1201Arg]GTLQAADAAI

ClinVar aggregate classification (germline): Uncertain significance (1 of 4 stars; one submission).

gnomAD v4.1: 2 of 1,614,104 alleles (0.00012%); highest among the groups gnomAD compares: Non-Finnish European, 0.00017%; no homozygotes.

Submission:

GeneDx
Classification: Uncertain significance. Last evaluated: 2024-04-29. Review status: criteria provided, single submitter. Criteria: GeneDx Variant Classification Process June 2021. Collection method: clinical testing. Allele origin: germline. Affected: yes.
Comment: Not observed at significant frequency in large population cohorts (gnomAD); In silico analysis supports that this missense variant has a deleterious effect on protein structure/function; Has not been previously published as pathogenic or benign to our knowledge